The following is an entry in ClinVar:

ClinVar aggregate classification (germline): Likely benign. Review status: criteria provided, multiple submitters, no conflicts (2 of 4 stars). 2 submissions from 2 submitters: Likely benign (2). Last evaluated 2024-04-25.

Conditions:
RYR1-related disorder. Also called: RYR1-related condition; RYR1-related disorders. Identifiers: MedGen CN239331.
Malignant hyperthermia, susceptibility to, 1 (MHS1). Also called: Anesthesia related hyperthermia; Malignant hyperpyrexia; Fulminating hyperpyrexia; Pharmacogenic myopathy; Malignant hyperthermia suceptibility 1; RYR1-Related Malignant Hyperthermia Susceptibility. Identifiers: Orphanet 423, MedGen C2930980, MONDO:0007783, OMIM 145600.

Allele frequency attached by ClinVar (database versions not stated): TOPMed below 0.00001; gnomAD exomes 0.00001; ExAC 0.00002.
gnomAD v4.1: 14 of 1,608,974 alleles (0.00087%); highest among the groups gnomAD compares: South Asian, 0.0099%; no homozygotes.

Submissions (2):

All of Us Research Program, National Institutes of Health
Classification: Likely benign for Malignant hyperthermia, susceptibility to, 1. Last evaluated: 2024-04-25. Review status: criteria provided, single submitter. Criteria: ACMG Guidelines, 2015. Collection method: clinical testing. Allele origin: germline. Inheritance: Autosomal dominant inheritance. Observed: 1 variant allele, 1 heterozygote.
Comment: This study involves interpretation of variants in research participants for the purpose of population health screening. Participant phenotype was not available at the time of variant classification. Additional details can be found in publication PMID: 35346344, PMCID: PMC8962531

Labcorp Genetics (formerly Invitae), Labcorp
Classification: Likely benign for RYR1-related disorder. Last evaluated: 2024-01-09. Review status: criteria provided, single submitter. Criteria: Invitae Variant Classification Sherloc (09022015). Collection method: clinical testing. Allele origin: germline.

NM_000540.3(RYR1):c.7785C>T (p.Leu2595=)

Gene: RYR1 (ryanodine receptor 1; plus strand). Cytogenetic location: 19q13.2.
Variant type: single nucleotide variant.
Coding change: c.7785C>T on transcript NM_000540.3 (MANE Select); coding-DNA position 7785, C replaced by T.
Protein change: p.Leu2595=; no amino-acid change (leucine 2595 retained).
Molecular consequence: synonymous variant.
Genome position (GRCh38, 1-based): chr19:38,502,677, C>T. VCF-style: chr19-38502677-C-T. GRCh37 (hg19) VCF-style: chr19-38993317-C-T.
Other names: c.7785C>T, p.Leu2595= (NM_001042723.2).
Identifiers: ClinVar variation 1154263 (VCV001154263.10), dbSNP rs774617852, ClinGen allele CA070237.